The following is an entry in ClinVar:

ClinVar aggregate classification (germline): Uncertain significance (1 of 4 stars; one submission).

Conditions:
Myoclonic dystonia 11 (DYT11). Also called: Dystonia, alcohol responsive; Hereditary essential myoclonus; SGCE Myoclonus-Dystonia; Myoclonus-Dystonia; DYT-SGCE; Myoclonic dystonia. Identifiers: Orphanet 36899, MedGen C1834570, MONDO:0008044, OMIM 159900.

Submission:

Juno Genomics, Hangzhou Juno Genomics, Inc
Classification: Uncertain significance for Myoclonic dystonia 11. Review status: criteria provided, single submitter. Criteria: ACMG Guidelines, 2015. Collection method: clinical testing. Allele origin: germline.
Comment: Absent from controls (or at extremely low frequency if recessive) in Genome Aggregation Database.;Multiple lines of computational evidence support a deleterious effect on the gene or gene product.

NM_003919.3(SGCE):c.556G>T (p.Ala186Ser)

Genes: CASD1 (CAS1 domain sialic acid O acetyltransferase 1; plus strand), SGCE (sarcoglycan epsilon; minus strand). Cytogenetic location: 7q21.3.
Variant type: single nucleotide variant.
Coding change: c.556G>T on transcript NM_003919.3 (MANE Select); coding-DNA position 556, G replaced by T.
Protein change: p.Ala186Ser; replaces alanine 186 with serine.
Molecular consequence: missense variant.
Genome position (GRCh38, 1-based): chr7:94,618,864, C>A on the plus strand (G>T on the coding strand, the complement: SGCE is on the minus strand). VCF-style: chr7-94618864-C-A. GRCh37 (hg19) VCF-style: chr7-94248176-C-A.
Other names: c.556G>T, p.Ala186Ser (NM_001099400.2, NM_001099401.2, NM_001346717.2); c.433G>T, p.Ala145Ser (NM_001301139.2, NM_001362809.2); c.664G>T, p.Ala222Ser (NM_001346713.2, NM_001346715.2); c.469G>T, p.Ala157Ser (NM_001346719.2, NM_001362807.2); c.283G>T, p.Ala95Ser (NM_001346720.2, NM_001362808.2); short protein forms A186S, A222S, A145S, A157S, A95S.
Identifiers: ClinVar variation 5007245 (VCV005007245.2).